The following is an entry in ClinVar:

ClinVar aggregate classification (germline): Likely benign. Review status: criteria provided, multiple submitters, no conflicts (2 of 4 stars). 6 submissions from 6 submitters: Likely benign (6). Last evaluated 2025-11-12.

Conditions:
Cardiomyopathy (CMYO). Also called: Cardiomyopathies. Identifiers: Orphanet 167848, MedGen C0878544, MONDO:0004994, HP:0001638. Inheritance: Various modes of inheritance.
Arrhythmogenic cardiomyopathy with wooly hair and keratoderma. Also called: PALMOPLANTAR KERATODERMA WITH LEFT VENTRICULAR CARDIOMYOPATHY AND WOOLLY HAIR; Arrhythmogenic cardiomyopathy with woolly hair and keratoderma; Dilated cardiomyopathy with woolly hair and keratoderma; Carvajal syndrome. Identifiers: Orphanet 65282, MedGen C1854063, MONDO:0011581, OMIM 605676.
Arrhythmogenic right ventricular dysplasia 8 (ARVD8). Also called: ARRHYTHMOGENIC RIGHT VENTRICULAR CARDIOMYOPATHY 8; ARRHYTHMOGENIC RIGHT VENTRICULAR DYSPLASIA, FAMILIAL, 8; Arrhythmogenic Right Ventricular Dysplasia/Cardiomyopathy 8. Identifiers: MedGen C1843896, MONDO:0011831, OMIM 607450.
Cardiovascular phenotype. Identifiers: MedGen CN230736.

Allele frequency attached by ClinVar (database versions not stated): gnomAD 0.00002 and 0.00003; TOPMed 0.00002; gnomAD exomes 0.00005 and 0.00008; ExAC 0.00011; ESP Exome Variant Server 0.00015.
gnomAD v4.1: 79 of 1,614,060 alleles (0.0049%); highest among the groups gnomAD compares: Middle Eastern, 0.033%; no homozygotes.

Submissions (6):

Labcorp Genetics (formerly Invitae), Labcorp
Classification: Likely benign for Arrhythmogenic cardiomyopathy with wooly hair and keratoderma; Arrhythmogenic right ventricular dysplasia 8. Last evaluated: 2025-11-12. Review status: criteria provided, single submitter. Criteria: Invitae Variant Classification Sherloc (09022015). Collection method: clinical testing. Allele origin: germline.

Molecular Diagnostic Laboratory for Inherited Cardiovascular Disease, Montreal Heart Institute
Classification: Likely benign. Last evaluated: 2025-02-17. Review status: criteria provided, single submitter. Criteria: ACMG Guidelines, 2015. Collection method: clinical testing. Allele origin: germline. Affected: no.
Comment: BP6;BP7

All of Us Research Program, National Institutes of Health
Classification: Likely benign for Arrhythmogenic cardiomyopathy with wooly hair and keratoderma. Last evaluated: 2024-02-05. Review status: criteria provided, single submitter. Criteria: ACMG Guidelines, 2015. Collection method: clinical testing. Allele origin: germline. Inheritance: Autosomal dominant inheritance. Observed: 12 variant alleles, 12 heterozygotes.
Comment: This study involves interpretation of variants in research participants for the purpose of population health screening. Participant phenotype was not available at the time of variant classification. Additional details can be found in publication PMID: 35346344, PMCID: PMC8962531

CHEO Genetics Diagnostic Laboratory, Children's Hospital of Eastern Ontario
Classification: Likely benign for Cardiomyopathy. Last evaluated: 2022-11-17. Review status: criteria provided, single submitter. Criteria: ACMG Guidelines, 2015. Collection method: clinical testing. Allele origin: germline. Study: Canadian Open Genetics Repository.

Color Diagnostics, LLC DBA Color Health
Classification: Likely benign for Cardiomyopathy. Last evaluated: 2019-02-16. Review status: criteria provided, single submitter. Criteria: ACMG Guidelines, 2015. Collection method: clinical testing. Allele origin: germline.

Ambry Genetics
Classification: Likely benign for Cardiovascular phenotype. Last evaluated: 2017-01-05. Review status: criteria provided, single submitter. Criteria: Ambry Variant Classification Scheme 2023. Collection method: clinical testing. Allele origin: germline.

NM_004415.4(DSP):c.6054C>T (p.Ile2018=)

Gene: DSP (desmoplakin; plus strand). Cytogenetic location: 6p24.3.
Variant type: single nucleotide variant.
Coding change: c.6054C>T on transcript NM_004415.4 (MANE Select); coding-DNA position 6054, C replaced by T.
Protein change: p.Ile2018=; no amino-acid change (isoleucine 2018 retained).
Molecular consequence: synonymous variant.
Genome position (GRCh38, 1-based): chr6:7,583,316, C>T. VCF-style: chr6-7583316-C-T. GRCh37 (hg19) VCF-style: chr6-7583549-C-T.
Other names: c.6054C>T (NM_004415.3, LRG_423t1); c.4257C>T, p.Ile1419= (NM_001008844.3); c.4725C>T, p.Ile1575= (NM_001319034.2).
Identifiers: ClinVar variation 518475 (VCV000518475.20), dbSNP rs369700204, ClinGen allele CA046716.